The following is an entry in ClinVar:

NM_002691.4(POLD1):c.2288T>C (p.Phe763Ser)

Gene: POLD1 (DNA polymerase delta 1, catalytic subunit; plus strand). Cytogenetic location: 19q13.33.
Variant type: single nucleotide variant.
Coding change: c.2288T>C on transcript NM_002691.4 (MANE Select); coding-DNA position 2288, T replaced by C.
Protein change: p.Phe763Ser; replaces phenylalanine 763 with serine.
Molecular consequence: missense variant. On other transcripts: non-coding transcript variant (1).
Genome position (GRCh38, 1-based): chr19:50,413,779, T>C. VCF-style: chr19-50413779-T-C. GRCh37 (hg19) VCF-style: chr19-50917036-T-C.
Other names: c.2288T>C, p.Phe763Ser (NM_001256849.1); c.2366T>C, p.Phe789Ser (NM_001308632.1); short protein forms F763S, F789S.
Identifiers: ClinVar variation 2843227 (VCV002843227.3), dbSNP rs2122447527, ClinGen allele CA406984062.

ClinVar aggregate classification (germline): Uncertain significance (1 of 4 stars; one submission).

Conditions:
POLD1-related polyposis and colorectal cancer syndrome (CRCS10). Also called: Colorectal cancer 10; COLORECTAL CANCER, SUSCEPTIBILITY TO, ON CHROMOSOME 19q; Colorectal cancer, susceptibility to, 10. Identifiers: Orphanet 220460, MedGen C2675481, MONDO:0012953, OMIM 612591.

Submission:

Labcorp Genetics (formerly Invitae), Labcorp
Classification: Uncertain significance for POLD1-related polyposis and colorectal cancer syndrome. Last evaluated: 2023-03-07. Review status: criteria provided, single submitter. Criteria: Invitae Variant Classification Sherloc (09022015). Collection method: clinical testing. Allele origin: germline.
Comment: This variant has not been reported in the literature in individuals affected with POLD1-related conditions. In summary, the available evidence is currently insufficient to determine the role of this variant in disease. Therefore, it has been classified as a Variant of Uncertain Significance. Advanced modeling of protein sequence and biophysical properties (such as structural, functional, and spatial information, amino acid conservation, physicochemical variation, residue mobility, and thermodynamic stability) performed at Invitae indicates that this missense variant is expected to disrupt POLD1 protein function. This variant is not present in population databases (gnomAD no frequency). This sequence change replaces phenylalanine, which is neutral and non-polar, with serine, which is neutral and polar, at codon 763 of the POLD1 protein (p.Phe763Ser).